The following is an entry in ClinVar:

ClinVar aggregate classification (germline): Uncertain significance (1 of 4 stars; one submission).

Conditions:
Inborn genetic diseases. Identifiers: MedGen C0950123, MeSH D030342.

Submission:

Ambry Genetics
Classification: Uncertain significance for Inborn genetic diseases. Last evaluated: 2026-01-20. Review status: criteria provided, single submitter. Criteria: Ambry Variant Classification Scheme 2023. Collection method: clinical testing. Allele origin: germline.
Comment: The c.256G>T (p.G86W) alteration is located in exon 3 (coding exon 3) of the KIF5C gene. This alteration results from a G to T substitution at nucleotide position 256, causing the glycine (G) at amino acid position 86 to be replaced by a tryptophan (W). This variant was not reported in population-based cohorts in the Genome Aggregation Database (gnomAD). This amino acid position is highly conserved in available vertebrate species. This missense alteration is located in a region that has a low rate of benign missense variation (Lek, 2016; Firth, 2009). This alteration is predicted to be deleterious by in silico analysis. Based on insufficient or conflicting evidence, the clinical significance of this alteration remains unclear.

NM_004522.3(KIF5C):c.256G>T (p.Gly86Trp)

Gene: KIF5C (kinesin family member 5C; plus strand). Cytogenetic location: 2q23.1.
Variant type: single nucleotide variant.
Coding change: c.256G>T on transcript NM_004522.3 (MANE Select); coding-DNA position 256, G replaced by T.
Protein change: p.Gly86Trp; replaces glycine 86 with tryptophan.
Molecular consequence: missense variant.
Genome position (GRCh38, 1-based): chr2:148,929,319, G>T. VCF-style: chr2-148929319-G-T. GRCh37 (hg19) VCF-style: chr2-149686888-G-T.
Other names: short protein forms G86W.
Identifiers: ClinVar variation 4839187 (VCV004839187.1).